The following is an entry in ClinVar:

ClinVar aggregate classification (germline): Likely benign. Review status: criteria provided, multiple submitters, no conflicts (2 of 4 stars). 4 submissions from 4 submitters: Likely benign (3). 1 of the submissions does not count toward it. Last evaluated 2026-01-06.

Conditions:
HPS4-related disorder. Also called: HPS4-related condition.
Inborn genetic diseases. Identifiers: MedGen C0950123, MeSH D030342.

Allele frequency attached by ClinVar (database versions not stated): gnomAD exomes 0.00015 and 0.00033; ExAC 0.00040; ESP Exome Variant Server 0.00115; gnomAD 0.00134 and 0.00142; TOPMed 0.00148; 1000 Genomes Project 0.00200; 1000 Genomes Project 30x 0.00265.
gnomAD v4.1: 420 of 1,614,152 alleles (0.026%); highest among the groups gnomAD compares: African/African-American, 0.51%; 1 homozygote.

Submissions (4):

Labcorp Genetics (formerly Invitae), Labcorp
Classification: Likely benign. Last evaluated: 2026-01-06. Review status: criteria provided, single submitter. Criteria: Invitae Variant Classification Sherloc (09022015). Collection method: clinical testing. Allele origin: germline.

Ambry Genetics
Classification: Likely benign for Inborn genetic diseases. Last evaluated: 2025-09-26. Review status: criteria provided, single submitter. Criteria: Ambry Variant Classification Scheme 2023. Collection method: clinical testing. Allele origin: germline.

Breakthrough Genomics
Classification: Likely benign. Review status: criteria provided, single submitter. Criteria: ACMG Guidelines, 2015. Collection method: not provided. Allele origin: germline. Inheritance: Autosomal recessive inheritance. Affected: yes.

PreventionGenetics, part of Exact Sciences
Classification: Likely benign for HPS4-related condition. Last evaluated: 2022-12-07. Review status: no assertion criteria provided. Collection method: clinical testing. Allele origin: germline. Not counted in ClinVar's aggregate classification.
Comment: This variant is classified as likely benign based on ACMG/AMP sequence variant interpretation guidelines (Richards et al. 2015 PMID: 25741868, with internal and published modifications).

NM_022081.6(HPS4):c.190G>A (p.Val64Ile)

Gene: HPS4 (HPS4 biogenesis of lysosomal organelles complex 3 subunit 2; minus strand). Cytogenetic location: 22q12.1.
Variant type: single nucleotide variant.
Coding change: c.190G>A on transcript NM_022081.6 (MANE Select); coding-DNA position 190, G replaced by A.
Protein change: p.Val64Ile; replaces valine 64 with isoleucine.
Molecular consequence: missense variant. On other transcripts: non-coding transcript variant (8).
Genome position (GRCh38, 1-based): chr22:26,477,079, C>T on the plus strand (G>A on the coding strand, the complement: HPS4 is on the minus strand). VCF-style: chr22-26477079-C-T. GRCh37 (hg19) VCF-style: chr22-26873045-C-T.
Other names: c.190G>A, p.Val64Ile (NM_001349896.1, NM_001349898.2, NM_001349899.2 and 6 more transcripts); c.175G>A, p.Val59Ile (NM_152841.2); c.190G>A (NM_022081.5, NM_022081.4); short protein forms V59I, V64I.
Identifiers: ClinVar variation 1104274 (VCV001104274.13), dbSNP rs147680141, ClinGen allele CA10163795.